The following is an entry in ClinVar:

NM_003126.4(SPTA1):c.390+1G>A

Gene: SPTA1 (spectrin alpha, erythrocytic 1; minus strand). Cytogenetic location: 1q23.1.
Variant type: single nucleotide variant.
Coding change: c.390+1G>A on transcript NM_003126.4 (MANE Select); the canonical splice donor site of the intron after coding-DNA position 390, G replaced by A.
Molecular consequence: splice donor variant.
Genome position (GRCh38, 1-based): chr1:158,683,370, C>T on the plus strand (G>A on the coding strand, the complement: SPTA1 is on the minus strand). VCF-style: chr1-158683370-C-T. GRCh37 (hg19) VCF-style: chr1-158653160-C-T.
Identifiers: ClinVar variation 1163759 (VCV001163759.7), dbSNP rs2101951549, ClinGen allele CA343024290.

ClinVar aggregate classification (germline): Likely pathogenic. Review status: criteria provided, multiple submitters, no conflicts (2 of 4 stars). 3 submissions from 3 submitters: Likely pathogenic (3). Last evaluated 2025-12-29.

Conditions:
SPTA1-related disorder. Also called: SPTA1-related condition; SPTA1-related disorders.

Submissions (3):

Center for Genomic Medicine, Rigshospitalet, Copenhagen University Hospital
Classification: Likely pathogenic. Last evaluated: 2025-12-29. Review status: criteria provided, single submitter. Criteria: ACMG Guidelines, 2015. Collection method: clinical testing. Allele origin: germline.
Comment: Classification criteria: PVS1, PM2_supporting

Blueprint Genetics
Classification: Likely pathogenic for SPTA1-related disorders. Last evaluated: 2021-05-31. Review status: criteria provided, single submitter. Criteria: ACMG Guidelines, 2015. Collection method: clinical testing. Allele origin: germline. Affected: yes. Observed: 3 variant alleles.

Mayo Clinic Laboratories, Mayo Clinic
Classification: Likely pathogenic. Last evaluated: 2019-08-22. Review status: criteria provided, single submitter. Criteria: ACMG Guidelines, 2015. Collection method: clinical testing. Allele origin: germline. Observed: 1 variant allele.
Comment: PVS1, PM2